The following is an entry in ClinVar:

ClinVar aggregate classification (germline): Likely benign. Review status: criteria provided, multiple submitters, no conflicts (2 of 4 stars). 2 submissions from 2 submitters: Likely benign (2). Last evaluated 2023-05-16.

Conditions:
Mitochondrial hypertrophic cardiomyopathy with lactic acidosis due to MTO1 deficiency. Also called: Combined oxidative phosphorylation deficiency 10; CARDIOMYOPATHY, INFANTILE HYPERTROPHIC MITOCHONDRIAL, AND LACTIC ACIDOSIS. Identifiers: Orphanet 314637, MedGen C4749921, MONDO:0013865, OMIM 614702.

Allele frequency attached by ClinVar (database versions not stated): TOPMed below 0.00001; gnomAD exomes below 0.00001.
gnomAD v4.1: 4 of 1,614,230 alleles (0.00025%); highest among the groups gnomAD compares: Non-Finnish European, 0.00034%; no homozygotes.

Submissions (2):

Labcorp Genetics (formerly Invitae), Labcorp
Classification: Likely benign for Mitochondrial hypertrophic cardiomyopathy with lactic acidosis due to MTO1 deficiency. Last evaluated: 2023-05-16. Review status: criteria provided, single submitter. Criteria: Invitae Variant Classification Sherloc (09022015). Collection method: clinical testing. Allele origin: germline.

GeneDx
Classification: Likely benign. Last evaluated: 2017-09-07. Review status: criteria provided, single submitter. Criteria: GeneDx Variant Classification (06012015). Collection method: clinical testing. Allele origin: germline. Affected: yes.
Comment: This variant is considered likely benign or benign based on one or more of the following criteria: it is a conservative change, it occurs at a poorly conserved position in the protein, it is predicted to be benign by multiple in silico algorithms, and/or has population frequency not consistent with disease.

NM_012123.4(MTO1):c.1062A>C (p.Pro354=)

Gene: MTO1 (mitochondrial tRNA translation optimization 1; plus strand). Cytogenetic location: 6q13.
Variant type: single nucleotide variant.
Coding change: c.1062A>C on transcript NM_012123.4 (MANE Select); coding-DNA position 1062, A replaced by C.
Protein change: p.Pro354=; no amino-acid change (proline 354 retained).
Molecular consequence: synonymous variant.
Genome position (GRCh38, 1-based): chr6:73,480,059, A>C. VCF-style: chr6-73480059-A-C. GRCh37 (hg19) VCF-style: chr6-74189782-A-C.
Other names: c.1062A>C, p.Pro354= (NM_001123226.2, NM_133645.3).
Identifiers: ClinVar variation 414889 (VCV000414889.9), dbSNP rs1060504378, ClinGen allele CA16612065.